The following is an entry in ClinVar:

NM_198565.3(NRROS):c.1981del (p.Leu661fs)

Gene: NRROS (negative regulator of reactive oxygen species; plus strand). Cytogenetic location: 3q29.
Variant type: Deletion.
Coding change: c.1981del on transcript NM_198565.3 (MANE Select); coding-DNA position 1981, one base deleted (C; older notation c.1981delC).
Protein change: p.Leu661fs; shifts the reading frame from leucine 661.
Molecular consequence: frameshift variant.
Genome position (GRCh38, 1-based): chr3:196,661,624, C deleted; the last of 2 consecutive C bases (chr3:196,661,623-196,661,624); deleting either gives the same sequence. VCF-style (leftmost placement, unchanged base first): chr3-196661622-GC-G. GRCh37 (hg19) VCF-style: chr3-196388493-GC-G.
Other names: short protein forms L661fs.
Identifiers: ClinVar variation 873030 (VCV000873030.3), dbSNP rs1737685202, ClinGen allele CA1139658399.
Genomic context (GRCh38, chr3:196,661,622, plus strand): 5'-ACTGCAAGTGGGAGCGGCTGGACCTGGGCCTGCTCTACCTCGTGCTCATCCTCCCCAGCT[GC>G]CTCACCCTGCTGGTGGCCTGCACTGTCATCGTCCTCACTTTTAAGAAGCCTCTGCTTCAG-3'

ClinVar aggregate classification (germline): Likely pathogenic. Review status: criteria provided, single submitter (1 of 4 stars). 2 submissions from 2 submitters: Likely pathogenic (1). 1 of the submissions does not count toward it. Last evaluated 2022-03-31.

Conditions:
Seizures, early-onset, with neurodegeneration and brain calcifications. Identifiers: MedGen C5394359, MONDO:0030033, OMIM 618875.

Submissions (2):

Victorian Clinical Genetics Services, Murdoch Childrens Research Institute
Classification: Likely pathogenic for Seizures, early-onset, with neurodegeneration and brain calcifications. Last evaluated: 2022-03-31. Review status: criteria provided, single submitter. Criteria: ACMG Guidelines, 2015. Collection method: clinical testing. Allele origin: germline. Inheritance: Autosomal recessive inheritance.
Comment: Based on the classification scheme VCGS_Germline_v1.3.4, this variant is classified as Likely Pathogenic. Following criteria are met: 0102 - Loss of function is a known mechanism of disease in this gene and is associated with early-onset seizures with neurodegeneration and brain calcification (MIM#618875). (I) 0106 - This gene is associated with autosomal recessive disease. (I) 0208 - Variant is predicted to result in an elongated protein. (SP) 0252 - This variant is homozygous. (I) 0301 - Variant is absent from gnomAD (both v2 and v3). (SP) 0600 - Variant is located in the annotated transmembrane domain and will result in its truncation as well as the cytoplasmic segments which are relevant for membrane anchorage and interaction with TGF-b1 (PMID: 32197075, DECIPHER, PDB, UniProt). (I) 0705 - No comparable elongation variants have previous evidence for pathogenicity. (I) 0807 - This variant has no previous evidence of pathogenicity. (I) 0903 - This variant has limited evidence for segregation with disease. One of the families has three and the other has one homozygote individuals with early-onset seizures with neurodegeneration and brain calcification (PMID: 32197075). (SP) 1002 - This variant has moderate functional evidence supporting abnormal protein function. HEK293 cells transfected with the mutant protein had impaired ability to anchor latent TGF-b1 on the cell surface. Moreover, wild-type NRROS rescued the defect of the mutant in presenting latent TGF-b1 to the cell surface (PMID: 32197075). (SP) 1209 - This variant has been shown to be both maternally and paternally inherited (biallelic). (I) Legend: (SP) - Supporting pathogenic, (I) - Information, (SB) - Supporting benign

OMIM
Classification: Pathogenic for SEIZURES, EARLY-ONSET, WITH NEURODEGENERATION AND BRAIN CALCIFICATIONS. Last evaluated: 2020-05-15. Review status: no assertion criteria provided. Collection method: literature only. Allele origin: germline. Not counted in ClinVar's aggregate classification.

Literature cited by the submitters: PubMed 32197075 (cited by Victorian Clinical Genetics Services, Murdoch Childrens Research Institute and OMIM).